The following is an entry in ClinVar:

ClinVar aggregate classification (germline): Conflicting classifications of pathogenicity. Review status: criteria provided, conflicting classifications (1 of 4 stars). 2 submissions from 2 submitters: Pathogenic (1); Uncertain significance (1). Last evaluated 2020-01-17.

Conditions:
Neuronopathy, distal hereditary motor, autosomal recessive 5. Also called: NEUROPATHY, DISTAL HEREDITARY MOTOR, AUTOSOMAL RECESSIVE 5; Spinal muscular atrophy, distal, autosomal recessive, 5; Young adult-onset distal hereditary motor neuropathy. Identifiers: Orphanet 314485, Orphanet 443950, MedGen C4749918, MONDO:0013947, OMIM 614881.
Charcot-Marie-Tooth disease. Also called: Charcot-Marie-Tooth Hereditary Neuropathy; Charcot-Marie-Tooth Neuropathy. Identifiers: Orphanet 166, MedGen C0007959, MONDO:0015626.

Submissions (2):

Labcorp Genetics (formerly Invitae), Labcorp
Classification: Pathogenic for Neuronopathy, distal hereditary motor, autosomal recessive 5. Last evaluated: 2020-01-17. Review status: criteria provided, single submitter. Criteria: Invitae Variant Classification Sherloc (09022015). Collection method: clinical testing. Allele origin: germline.
Comment: This sequence change creates a premature translational stop signal (p.Trp30*) in the DNAJB2 gene. It is expected to result in an absent or disrupted protein product. This variant is not present in population databases (ExAC no frequency). This variant has not been reported in the literature in individuals with DNAJB2-related conditions. Loss-of-function variants in DNAJB2 are known to be pathogenic (PMID: 22522442, 25274842). For these reasons, this variant has been classified as Pathogenic.

Molecular Genetics Laboratory, London Health Sciences Centre
Classification: Uncertain significance for Charcot-Marie-Tooth disease. Review status: criteria provided, single submitter. Criteria: ACMG Guidelines, 2015. Collection method: clinical testing. Allele origin: germline. Affected: yes.

Literature cited by the submitters: PubMed 22522442 (cited by Labcorp Genetics (formerly Invitae), Labcorp); PubMed 25274842 (cited by Labcorp Genetics (formerly Invitae), Labcorp).

NM_006736.6(DNAJB2):c.89G>A (p.Trp30Ter)

Gene: DNAJB2 (DnaJ heat shock protein family (Hsp40) member B2; plus strand). Cytogenetic location: 2q35.
Variant type: single nucleotide variant.
Coding change: c.89G>A on transcript NM_006736.6 (MANE Select); coding-DNA position 89, G replaced by A.
Protein change: p.Trp30Ter; replaces tryptophan 30 with a stop codon.
Molecular consequence: nonsense.
Genome position (GRCh38, 1-based): chr2:219,280,601, G>A. VCF-style: chr2-219280601-G-A. GRCh37 (hg19) VCF-style: chr2-220145323-G-A.
Other names: c.89G>A, p.Trp30Ter (NM_001039550.2); short protein forms W30*.
Identifiers: ClinVar variation 856608 (VCV000856608.9), dbSNP rs1951895452, ClinGen allele CA350646471.